The following is an entry in ClinVar:

NM_001041.4(SI):c.4127G>C (p.Arg1376Thr)

Gene: SI (sucrase-isomaltase; minus strand). Cytogenetic location: 3q26.1.
Variant type: single nucleotide variant.
Coding change: c.4127G>C on transcript NM_001041.4 (MANE Select); coding-DNA position 4127, G replaced by C.
Protein change: p.Arg1376Thr; replaces arginine 1376 with threonine.
Molecular consequence: missense variant.
Genome position (GRCh38, 1-based): chr3:165,009,331, C>G on the plus strand (G>C on the coding strand, the complement: SI is on the minus strand). VCF-style: chr3-165009331-C-G. GRCh37 (hg19) VCF-style: chr3-164727119-C-G.
Other names: short protein forms R1376T.
Identifiers: ClinVar variation 1349573 (VCV001349573.7), dbSNP rs2108159606, ClinGen allele CA355033679.

ClinVar aggregate classification (germline): Uncertain significance (1 of 4 stars; one submission).

Submission:

Labcorp Genetics (formerly Invitae), Labcorp
Classification: Uncertain significance. Last evaluated: 2023-12-07. Review status: criteria provided, single submitter. Criteria: Invitae Variant Classification Sherloc (09022015). Collection method: clinical testing. Allele origin: germline.
Comment: This sequence change replaces arginine, which is basic and polar, with threonine, which is neutral and polar, at codon 1376 of the SI protein (p.Arg1376Thr). This variant is not present in population databases (gnomAD no frequency). This variant has not been reported in the literature in individuals affected with SI-related conditions. ClinVar contains an entry for this variant (Variation ID: 1349573). Algorithms developed to predict the effect of missense changes on protein structure and function output the following: SIFT: "Not Available"; PolyPhen-2: "Benign"; Align-GVGD: "Not Available". The threonine amino acid residue is found in multiple mammalian species, which suggests that this missense change does not adversely affect protein function. In summary, the available evidence is currently insufficient to determine the role of this variant in disease. Therefore, it has been classified as a Variant of Uncertain Significance.